The following is an entry in ClinVar:

NM_002439.5(MSH3):c.1907_1908del (p.Gln636fs)

Gene: MSH3 (mutS homolog 3; plus strand). Cytogenetic location: 5q14.1.
Variant type: Deletion.
Coding change: c.1907_1908del on transcript NM_002439.5 (MANE Select); coding-DNA positions 1907 to 1908, 2 bases deleted (AA; older notation c.1907_1908delAA).
Protein change: p.Gln636fs; shifts the reading frame from glutamine 636.
Molecular consequence: frameshift variant.
Genome position (GRCh38, 1-based): chr5:80,767,943-80,767,944, AA deleted. VCF-style (leftmost placement, unchanged base first): chr5-80767942-CAA-C. GRCh37 (hg19) VCF-style: chr5-80063761-CAA-C.
Other names: short protein forms Q636fs.
Identifiers: ClinVar variation 1073059 (VCV001073059.8), dbSNP rs2112884291, ClinGen allele CA2499217929.

ClinVar aggregate classification (germline): Pathogenic. Review status: criteria provided, multiple submitters, no conflicts (2 of 4 stars). 2 submissions from 2 submitters: Pathogenic (2). Last evaluated 2026-04-20.

Conditions:
Familial adenomatous polyposis 4 (FAP4). Also called: MSH3-related attenuated familial adenomatous polyposis. Identifiers: Orphanet 480536, MedGen C4310719, MONDO:0044300, OMIM 617100.

Submissions (2):

Myriad Genetics, Inc.
Classification: Pathogenic for Familial adenomatous polyposis 4. Last evaluated: 2026-04-20. Review status: criteria provided, single submitter. Criteria: Myriad Autosomal Dominant, Autosomal Recessive and X-Linked Classification Criteria (2023). Collection method: clinical testing. Allele origin: unknown.
Comment: This variant is considered pathogenic. This variant creates a frameshift predicted to result in premature protein truncation.

Labcorp Genetics (formerly Invitae), Labcorp
Classification: Pathogenic. Last evaluated: 2020-07-07. Review status: criteria provided, single submitter. Criteria: Invitae Variant Classification Sherloc (09022015). Collection method: clinical testing. Allele origin: germline.
Comment: This variant has not been reported in the literature in individuals with MSH3-related conditions. This sequence change creates a premature translational stop signal (p.Gln636Argfs*24) in the MSH3 gene. It is expected to result in an absent or disrupted protein product. This variant is not present in population databases (ExAC no frequency). Loss-of-function variants in MSH3 are known to be pathogenic (PMID: 27476653). For these reasons, this variant has been classified as Pathogenic.

Literature cited by the submitters: PubMed 27476653 (cited by Labcorp Genetics (formerly Invitae), Labcorp).